The following is an entry in ClinVar:

ClinVar aggregate classification (germline): Uncertain significance. Review status: criteria provided, multiple submitters, no conflicts (2 of 4 stars). 4 submissions from 4 submitters: Uncertain significance (4). Last evaluated 2025-09-22.

Conditions:
Cardiovascular phenotype. Identifiers: MedGen CN230736.
Distal myopathy with posterior leg and anterior hand involvement. Also called: WILLIAMS DISTAL MYOPATHY. Identifiers: Orphanet 63273, MedGen C3279722, MONDO:0013550, OMIM 614065.
Myofibrillar myopathy 5. Also called: Filaminopathy (type); FILAMINOPATHY, AUTOSOMAL DOMINANT. Identifiers: Orphanet 171445, MedGen C1836050, MONDO:0012289, OMIM 609524.
Hypertrophic cardiomyopathy 26. Also called: Cardiomyopathy, familial hypertrophic, 26. Identifiers: Orphanet 75249, MedGen C4310749, MONDO:0014883, OMIM 617047.

Allele frequency attached by ClinVar (database versions not stated): TOPMed 0.00001; ExAC 0.00002; gnomAD 0.00002; gnomAD exomes 0.00002; ESP Exome Variant Server 0.00008.
gnomAD v4.1: 31 of 1,613,700 alleles (0.0019%); highest among the groups gnomAD compares: Non-Finnish European, 0.0024%; no homozygotes.

Submissions (4):

Labcorp Genetics (formerly Invitae), Labcorp
Classification: Uncertain significance for Distal myopathy with posterior leg and anterior hand involvement; Myofibrillar myopathy 5; Hypertrophic cardiomyopathy 26. Last evaluated: 2025-09-22. Review status: criteria provided, single submitter. Criteria: Invitae Variant Classification Sherloc (09022015). Collection method: clinical testing. Allele origin: germline.
Comment: This sequence change replaces arginine, which is basic and polar, with glutamine, which is neutral and polar, at codon 2140 of the FLNC protein (p.Arg2140Gln). This variant is present in population databases (rs368662317, gnomAD 0.006%). This missense change has been observed in individuals with hypertrophic cardiomyopathy (PMID: 28356264, 31245841). It has also been observed to segregate with disease in related individuals. ClinVar contains an entry for this variant (Variation ID: 472134). Invitae Evidence Modeling of protein sequence and biophysical properties (such as structural, functional, and spatial information, amino acid conservation, physicochemical variation, residue mobility, and thermodynamic stability) has been performed for this missense variant. However, the output from this modeling did not meet the statistical confidence thresholds required to predict the impact of this variant on FLNC protein function. This variant disrupts the p.Arg2140 amino acid residue in FLNC. Other variant(s) that disrupt this residue have been observed in individuals with FLNC-related conditions (internal data), which suggests that this may be a clinically significant amino acid residue. In summary, the available evidence is currently insufficient to determine the role of this variant in disease. Therefore, it has been classified as a Variant of Uncertain Significance.

Molecular Diagnostic Laboratory for Inherited Cardiovascular Disease, Montreal Heart Institute
Classification: Uncertain significance for Cardiovascular phenotype. Last evaluated: 2025-04-09. Review status: criteria provided, single submitter. Criteria: ACMG Guidelines, 2015. Collection method: clinical testing. Allele origin: germline. Affected: yes.

Ambry Genetics
Classification: Uncertain significance for Cardiovascular phenotype. Last evaluated: 2025-01-10. Review status: criteria provided, single submitter. Criteria: Ambry Variant Classification Scheme 2023. Collection method: clinical testing. Allele origin: germline.
Comment: The p.R2140Q variant (also known as c.6419G>A), located in coding exon 39 of the FLNC gene, results from a G to A substitution at nucleotide position 6419. The arginine at codon 2140 is replaced by glutamine, an amino acid with highly similar properties. This variant was reported in individual(s) with features consistent with hypertrophic cardiomyopathy (HCM), and segregated with HCM in one family (G&oacute;mez J et al. Circ Cardiovasc Genet, 2017 Apr;10; Ader F et al. Med Sci (Paris), 2018 Nov;34 Hors s&eacute;rie n&deg;2:39-41). This amino acid position is well conserved in available vertebrate species. In addition, the in silico prediction for this alteration is inconclusive. Based on the available evidence, the clinical significance of this variant remains unclear.

Fulgent Genetics
Classification: Uncertain significance for Myofibrillar myopathy 5; Distal myopathy with posterior leg and anterior hand involvement; Hypertrophic cardiomyopathy 26. Last evaluated: 2021-09-10. Review status: criteria provided, single submitter. Criteria: ACMG Guidelines, 2015. Collection method: clinical testing. Allele origin: unknown.

Literature cited by the submitters: PubMed 28356264 (cited by Labcorp Genetics (formerly Invitae), Labcorp and Ambry Genetics); PubMed 31245841 (cited by Labcorp Genetics (formerly Invitae), Labcorp); PubMed 30411535 (cited by Ambry Genetics); PubMed 30418145 (cited by Ambry Genetics).

NM_001458.5(FLNC):c.6419G>A (p.Arg2140Gln)

Genes: FLNC (filamin C; plus strand), FLNC-AS1 (FLNC antisense RNA 1; minus strand). Cytogenetic location: 7q32.1.
Variant type: single nucleotide variant.
Coding change: c.6419G>A on transcript NM_001458.5 (MANE Select); coding-DNA position 6419, G replaced by A.
Protein change: p.Arg2140Gln; replaces arginine 2140 with glutamine.
Molecular consequence: missense variant.
Genome position (GRCh38, 1-based): chr7:128,853,772, G>A. VCF-style: chr7-128853772-G-A. GRCh37 (hg19) VCF-style: chr7-128493826-G-A.
Other names: c.6320G>A, p.Arg2107Gln (NM_001127487.2); short protein forms R2140Q, R2107Q.
Identifiers: ClinVar variation 472134 (VCV000472134.10), dbSNP rs368662317, ClinGen allele CA4475976.